The following is an entry in ClinVar:

ClinVar aggregate classification (germline): Uncertain significance (1 of 4 stars; one submission).

Conditions:
Neurodevelopmental disorder with dysmorphic facies and distal limb anomalies. Identifiers: Orphanet 686482, MedGen C4540327, MONDO:0060596, OMIM 617755.

gnomAD v4.1: 6 of 1,592,732 alleles (0.00038%); highest among the groups gnomAD compares: Non-Finnish European, 0.00043%; no homozygotes.

Submission:

Baylor Genetics
Classification: Uncertain significance for Neurodevelopmental disorder with dysmorphic facies and distal limb anomalies. Last evaluated: 2019-10-31. Review status: criteria provided, single submitter. Criteria: ACMG Guidelines, 2015. Collection method: clinical testing. Allele origin: unknown. Affected: yes.
Comment: This variant was determined to be of uncertain significance according to ACMG Guidelines, 2015 [PMID:25741868].

NM_182641.4(BPTF):c.5296A>T (p.Thr1766Ser)

Gene: BPTF (bromodomain PHD finger transcription factor; plus strand). Cytogenetic location: 17q24.2.
Variant type: single nucleotide variant.
Coding change: c.5296A>T on transcript NM_182641.4 (MANE Select); coding-DNA position 5296, A replaced by T.
Protein change: p.Thr1766Ser; replaces threonine 1766 with serine.
Molecular consequence: missense variant.
Genome position (GRCh38, 1-based): chr17:67,913,180, A>T. VCF-style: chr17-67913180-A-T. GRCh37 (hg19) VCF-style: chr17-65909296-A-T.
Other names: c.5674A>T, p.Thr1892Ser (NM_004459.7); short protein forms T1892S, T1766S.
Identifiers: ClinVar variation 1028761 (VCV001028761.1), dbSNP rs2062757704, ClinGen allele CA400732447.
Genomic context (GRCh38, chr17:67,913,180, plus strand): 5'-AATGCAAAACCTGCTTTGGATATATGGCCATATCCTTCTCCTAGACCGACCTTTGGCATC[A>T]CTTGGAGGTATGTACTTTAAAATGTATTTGGGGGAGGGAGAAAATTTTAAAAAGAATTAT-3'
Protein context (NP_872579.2, residues 1756-1776): YPSPRPTFGI[Thr1766Ser]WRYRLQTVKS